The following is an entry in ClinVar:

ClinVar aggregate classification (germline): Uncertain significance (1 of 4 stars; one submission).

Submission:

GeneDx
Classification: Uncertain significance. Last evaluated: 2019-08-12. Review status: criteria provided, single submitter. Criteria: GeneDx Variant Classification Process June 2021. Collection method: clinical testing. Allele origin: germline. Affected: yes.
Comment: Not observed in large population cohorts (Lek et al., 2016); In silico analysis, which includes protein predictors and evolutionary conservation, supports a deleterious effect; The majority of missense variants in this gene are considered pathogenic (Stenson et al., 2014); Has not been previously published as pathogenic or benign to our knowledge

NM_002755.4(MAP2K1):c.665C>A (p.Ser222Tyr)

Gene: MAP2K1 (mitogen-activated protein kinase kinase 1; plus strand). Cytogenetic location: 15q22.31.
Variant type: single nucleotide variant.
Coding change: c.665C>A on transcript NM_002755.4 (MANE Select); coding-DNA position 665, C replaced by A.
Protein change: p.Ser222Tyr; replaces serine 222 with tyrosine.
Molecular consequence: missense variant.
Genome position (GRCh38, 1-based): chr15:66,481,851, C>A. VCF-style: chr15-66481851-C-A. GRCh37 (hg19) VCF-style: chr15-66774189-C-A.
Other names: short protein forms S222Y.
Identifiers: ClinVar variation 1321043 (VCV001321043.2), dbSNP rs2140668182, ClinGen allele CA392936460.